The following is an entry in ClinVar:

NM_016038.4(SBDS):c.566del (p.Lys189fs)

Gene: SBDS (SBDS ribosome maturation factor; minus strand). Cytogenetic location: 7q11.21.
Variant type: Deletion.
Coding change: c.566del on transcript NM_016038.4 (MANE Select); coding-DNA position 566, one base deleted (A; older notation c.566delA).
Protein change: p.Lys189fs; shifts the reading frame from lysine 189.
Molecular consequence: frameshift variant.
Genome position (GRCh38, 1-based): chr7:66,991,195, T deleted on the plus strand (A on the coding strand, the reverse complement: SBDS is on the minus strand); the first of 4 consecutive T bases (chr7:66,991,195-66,991,198); deleting any one gives the same sequence. VCF-style (leftmost placement, unchanged base first): chr7-66991194-CT-C. GRCh37 (hg19) VCF-style: chr7-66456181-CT-C.
Other names: c.566delA (NM_016038.2); short protein forms K189fs.
Identifiers: ClinVar variation 3377150 (VCV003377150.1).

ClinVar aggregate classification (germline): Likely pathogenic (1 of 4 stars; one submission).

Conditions:
Shwachman-Diamond syndrome 1 (SDS1). Also called: LIPOMATOSIS OF PANCREAS, CONGENITAL. Identifiers: MedGen C4692625, MONDO:0044204, OMIM 260400.

Submission:

Victorian Clinical Genetics Services, Murdoch Childrens Research Institute
Classification: Likely pathogenic for Shwachman-Diamond syndrome 1. Last evaluated: 2024-10-09. Review status: criteria provided, single submitter. Criteria: ACMG Guidelines, 2015. Collection method: clinical testing. Allele origin: germline. Inheritance: Autosomal recessive inheritance. Affected: yes.
Comment: Based on the classification scheme VCGS_Germline_v1.3.5, this variant is classified as Likely pathogenic. Following criteria are met: 0102 - Loss of function is a known mechanism of disease in this gene and is associated with Shwachman-Diamond syndrome (MIM#260400). (I) 0106 - This gene is associated with autosomal recessive disease. (I) 0115 - Variants in this gene are known to have variable expressivity. A phenotypic spectrum with variable severity was observed in a cohort study. In addition, two unrelated asymptomatic individuals were later diagnosed with mild Shwachmann-Diamond syndrome following genetic investigations due to family history and clinical follow-ups (PMID: 24388329). (I) 0205 - Variant is predicted to result in a truncated protein (premature termination codon is NOT located at least 54 nucleotides upstream of the final exon-exon junction) with less than 1/3 of the protein sequence affected. (SP) 0251 - This variant is heterozygous. (I) 0301 - Variant is absent from gnomAD (v2, v3 and v4). (SP) 0600 - Variant affects the annotated SBDS C-terminal domain (DECIPHER). (I) 0702 - Other downstream protein truncating variants comparable to the one identified in this case have strong previous evidence for pathogenicity (ClinVar). (SP) 0807 - This variant has no previous evidence of pathogenicity. (I) 0905 - No published segregation evidence has been identified for this variant. (I) 1007 - No published functional evidence has been identified for this variant. (I) 1208 - Inheritance information for this variant is not currently available in this individual. (I) Legend: (SP) - Supporting pathogenic, (I) - Information, (SB) - Supporting benign

Literature cited by the submitters: PubMed 24388329.